The following is an entry in ClinVar:

ClinVar aggregate classification (germline): Benign/Likely benign. Review status: criteria provided, multiple submitters, no conflicts (2 of 4 stars). 3 submissions from 3 submitters: Benign (1); Likely benign (2). Last evaluated 2021-06-19.

Conditions:
Variegate porphyria (VP). Also called: PORPHYRIA, SOUTH AFRICAN TYPE; PROTOPORPHYRINOGEN OXIDASE DEFICIENCY; PPOX DEFICIENCY. Identifiers: Orphanet 79473, MedGen C0162532, MONDO:0008297, OMIM 176200.

Allele frequency attached by ClinVar (database versions not stated): 1000 Genomes Project 0.02177; 1000 Genomes Project 30x 0.02280; TOPMed 0.04579; gnomAD 0.05005 and 0.05168; gnomAD exomes 0.07132.

Submissions (3):

GeneDx
Classification: Benign. Last evaluated: 2021-06-19. Review status: criteria provided, single submitter. Criteria: GeneDx Variant Classification Process June 2021. Collection method: clinical testing. Allele origin: germline. Affected: yes.

Illumina Laboratory Services, Illumina
Classification: Likely benign for Variegate porphyria. Last evaluated: 2018-01-12. Review status: criteria provided, single submitter. Criteria: ICSL Variant Classification Criteria 13 December 2019. Collection method: clinical testing. Allele origin: germline.
Comment: This variant was observed in the ICSL laboratory as part of a predisposition screen in an ostensibly healthy population. It had not been previously curated by ICSL or reported in the Human Gene Mutation Database (HGMD: prior to June 1st, 2018), and was therefore a candidate for classification through an automated scoring system. Utilizing variant allele frequency, disease prevalence and penetrance estimates, and inheritance mode, an automated score was calculated to assess if this variant is too frequent to cause the disease. Based on the score and internal cut-off values, a variant classified as likely benign is not then subjected to further curation. The score for this variant resulted in a classification of likely benign for this disease.

Breakthrough Genomics
Classification: Likely benign. Review status: criteria provided, single submitter. Criteria: ACMG Guidelines, 2015. Collection method: not provided. Allele origin: germline. Inheritance: Autosomal dominant inheritance. Affected: yes.

NM_001122764.3(PPOX):c.-128C>G

Gene: PPOX (protoporphyrinogen oxidase; plus strand). Cytogenetic location: 1q23.3.
Variant type: single nucleotide variant.
Coding change: c.-128C>G on transcript NM_001122764.3 (MANE Select); 128 bases upstream of the start codon, C replaced by G.
Molecular consequence: 5 prime UTR variant.
Genome position (GRCh38, 1-based): chr1:161,166,553, C>G. VCF-style: chr1-161166553-C-G. GRCh37 (hg19) VCF-style: chr1-161136343-C-G.
Other names: c.-67C>G (NM_000309.5); c.-128C>G (NM_001350128.2, NM_001365399.1); c.-555C>G (NM_001350129.2); c.-646C>G (NM_001350130.2); c.-471C>G (NM_001350131.2); c.-378C>G (NM_001365400.1); c.-437C>G (NM_001365401.1).
Identifiers: ClinVar variation 293244 (VCV000293244.9), dbSNP rs72714915, ClinGen allele CA10608496.